The following is an entry in ClinVar:

ClinVar aggregate classification (germline): Pathogenic (1 of 4 stars; one submission).

Conditions:
Donnai-Barrow syndrome. Also called: DBS/FOAR SYNDROME; FACIOOCULOACOUSTICORENAL SYNDROME. Identifiers: Orphanet 2143, MedGen C1857277, MONDO:0009104, OMIM 222448.

Submission:

Myriad Genetics, Inc.
Classification: Pathogenic for Donnai-Barrow syndrome. Last evaluated: 2026-03-01. Review status: criteria provided, single submitter. Criteria: Myriad Autosomal Dominant, Autosomal Recessive and X-Linked Classification Criteria (2023). Collection method: clinical testing. Allele origin: unknown.
Comment: NM_004525.2(LRP2):c.9556_9565del10(P3186Rfs*21) is expected to be pathogenic in the context of Donnai-Barrow syndrome. This variant is predicted to lead to an abnormal or absent protein product due to the creation of a premature termination codon in LRP2, a gene where loss-of-function variants are known to be pathogenic. Please note: this variant was assessed in the context of healthy population screening.

NM_004525.3(LRP2):c.9556_9565del (p.Pro3186fs)

Gene: LRP2 (LDL receptor related protein 2; minus strand). Cytogenetic location: 2q31.1.
Variant type: Deletion.
Coding change: c.9556_9565del on transcript NM_004525.3 (MANE Select); coding-DNA positions 9556 to 9565, 10 bases deleted (CCAGATGGAA; older notation c.9556_9565delCCAGATGGAA).
Protein change: p.Pro3186fs; shifts the reading frame from proline 3186.
Molecular consequence: frameshift variant.
Genome position (GRCh38, 1-based): chr2:169,185,783-169,185,792, TTCCATCTGG deleted on the plus strand (CCAGATGGAA on the coding strand, the reverse complement: LRP2 is on the minus strand); deleting any 10 consecutive bases within chr2:169,185,783-169,185,795 gives the same sequence; the c. name uses the placement nearest the transcript's 3' end. VCF-style (leftmost placement, unchanged base first): chr2-169185782-TTTCCATCTGG-T. GRCh37 (hg19) VCF-style: chr2-170042292-TTTCCATCTGG-T.
Other names: short protein forms P3186fs.
Identifiers: ClinVar variation 5015624 (VCV005015624.1).
Genomic context (GRCh38, chr2:169,185,782, plus strand): 5'-AAATAGTAACGGTTGCTAAAAATGAGATAGGGTTCGATGTTACTGTTTTGCCGGCAGGTC[TTTCCATCTGG>T]TTCTCGGAGGTAGCCTGGGGCACACTTACAGATGTAGGAGCCTATTACATTCTCACACTT-3'